The following is an entry in ClinVar:

NM_016169.4(SUFU):c.871A>G (p.Ile291Val)

Gene: SUFU (SUFU negative regulator of hedgehog signaling; plus strand). Cytogenetic location: 10q24.32.
Variant type: single nucleotide variant.
Coding change: c.871A>G on transcript NM_016169.4 (MANE Select); coding-DNA position 871, A replaced by G.
Protein change: p.Ile291Val; replaces isoleucine 291 with valine.
Molecular consequence: missense variant.
Genome position (GRCh38, 1-based): chr10:102,597,254, A>G. VCF-style: chr10-102597254-A-G. GRCh37 (hg19) VCF-style: chr10-104357011-A-G.
Other names: c.871A>G, p.Ile291Val (NM_001178133.2); short protein forms I291V.
Identifiers: ClinVar variation 3226894 (VCV003226894.1), dbSNP rs2545094926, ClinGen allele CA377910742.
Genomic context (GRCh38, chr10:102,597,254, plus strand): 5'-GCCAAGTGTGCCTGGGATGACCTGAGCCGGCCCCCCGAGGATGACGAGGACAGCCGGAGC[A>G]TCTGCATCGGCACACAGCCCCGGCGACTCTCTGGCAAAGGTGGGAGCCATCACTCAGCAT-3'
Protein context (NP_057253.2, residues 281-301): PPEDDEDSRS[Ile291Val]CIGTQPRRLS

ClinVar aggregate classification (germline): Uncertain significance (1 of 4 stars; one submission).

Conditions:
Hereditary cancer-predisposing syndrome. Also called: Neoplastic Syndromes, Hereditary; Tumor predisposition; Hereditary neoplastic syndrome; Hereditary Cancer Syndrome. Identifiers: Orphanet 140162, MedGen C0027672, MeSH D009386, MONDO:0015356.

Submission:

Ambry Genetics
Classification: Uncertain significance for Hereditary cancer-predisposing syndrome. Last evaluated: 2023-12-11. Review status: criteria provided, single submitter. Criteria: Ambry Variant Classification Scheme 2023. Collection method: clinical testing. Allele origin: germline.
Comment: The p.I291V variant (also known as c.871A>G), located in coding exon 7 of the SUFU gene, results from an A to G substitution at nucleotide position 871. The isoleucine at codon 291 is replaced by valine, an amino acid with highly similar properties. This amino acid position is conserved. In addition, this alteration is predicted to be tolerated by in silico analysis. Since supporting evidence is limited at this time, the clinical significance of this alteration remains unclear.